The following is an entry in ClinVar:

NM_013245.3(VPS4A):c.499G>C (p.Gly167Arg)

Gene: VPS4A (vacuolar protein sorting 4 homolog A; plus strand). Cytogenetic location: 16q22.1.
Variant type: single nucleotide variant.
Coding change: c.499G>C on transcript NM_013245.3 (MANE Select); coding-DNA position 499, G replaced by C.
Protein change: p.Gly167Arg; replaces glycine 167 with arginine.
Molecular consequence: missense variant.
Genome position (GRCh38, 1-based): chr16:69,319,422, G>C. VCF-style: chr16-69319422-G-C. GRCh37 (hg19) VCF-style: chr16-69353325-G-C.
Other names: short protein forms G167R.
Identifiers: ClinVar variation 2580661 (VCV002580661.1), dbSNP rs867659456, ClinGen allele CA396468467.

ClinVar aggregate classification (germline): Uncertain significance (1 of 4 stars; one submission).

gnomAD v4.1: 11 of 1,614,006 alleles (0.00068%); highest among the groups gnomAD compares: Non-Finnish European, 0.00093%; no homozygotes.

Submission:

GeneDx
Classification: Uncertain significance. Last evaluated: 2023-03-23. Review status: criteria provided, single submitter. Criteria: GeneDx Variant Classification Process June 2021. Collection method: clinical testing. Allele origin: germline. Affected: yes.
Comment: In silico analysis supports that this missense variant has a deleterious effect on protein structure/function; Has not been previously published as pathogenic or benign to our knowledge